The following is an entry in ClinVar:

NM_000038.6(APC):c.4778dup (p.Pro1594fs)

Gene: APC (APC regulator of Wnt signaling pathway; plus strand). Cytogenetic location: 5q22.2.
Variant type: Duplication.
Coding change: c.4778dup on transcript NM_000038.6 (MANE Select); coding-DNA position 4778, one base duplicated (A; older notation c.4778dupA).
Protein change: p.Pro1594fs; shifts the reading frame from proline 1594.
Molecular consequence: frameshift variant.
Genome position (GRCh38, 1-based): chr5:112,840,372, A duplicated; the last of 6 consecutive A bases (chr5:112,840,367-112,840,372); duplicating any one gives the same sequence. VCF-style (leftmost placement, unchanged base first): chr5-112840366-C-CA. GRCh37 (hg19) VCF-style: chr5-112176063-C-CA.
Other names: c.4778dup, p.Pro1594fs (NM_001127510.3, NM_001354895.2); c.4724dup, p.Pro1576fs (NM_001127511.3); c.4832dup, p.Pro1612fs (NM_001354896.2); c.4808dup, p.Pro1604fs (NM_001354897.2); c.4703dup, p.Pro1569fs (NM_001354898.2); c.4694dup, p.Pro1566fs (NM_001354899.2); c.4655dup, p.Pro1553fs (NM_001354900.2); c.4601dup, p.Pro1535fs (NM_001354901.2); and 16 more; short protein forms P1493fs, P1569fs, P1612fs, P1503fs, P1535fs, P1553fs, P1576fs, P1434fs.
Identifiers: ClinVar variation 1743007 (VCV001743007.3), dbSNP rs1554086185, ClinGen allele CA446206727.

ClinVar aggregate classification (germline): Pathogenic/Likely pathogenic. Review status: criteria provided, multiple submitters, no conflicts (2 of 4 stars). 2 submissions from 2 submitters: Pathogenic (1); Likely pathogenic (1). Last evaluated 2023-05-11.

Conditions:
Hereditary cancer-predisposing syndrome. Also called: Hereditary Cancer Syndrome; Neoplastic Syndromes, Hereditary; Tumor predisposition; Hereditary neoplastic syndrome. Identifiers: Orphanet 140162, MedGen C0027672, MeSH D009386, MONDO:0015356.
Familial adenomatous polyposis 1 (FAP1). Also called: FAMILIAL ADENOMATOUS POLYPOSIS 1, ATTENUATED; POLYPOSIS, ADENOMATOUS INTESTINAL. Identifiers: MedGen C2713442, MONDO:0021056, OMIM 175100. Disease mechanism: loss of function.

Submissions (2):

Myriad Genetics, Inc.
Classification: Pathogenic for Familial adenomatous polyposis 1. Last evaluated: 2023-05-11. Review status: criteria provided, single submitter. Criteria: Myriad Autosomal Dominant, Autosomal Recessive and X-Linked Classification Criteria (2023). Collection method: clinical testing. Allele origin: unknown.
Comment: This variant is considered pathogenic. This variant creates a frameshift predicted to result in premature protein truncation.

Ambry Genetics
Classification: Likely pathogenic for Hereditary cancer-predisposing syndrome. Last evaluated: 2022-08-18. Review status: criteria provided, single submitter. Criteria: Ambry Variant Classification Scheme 2023. Collection method: clinical testing. Allele origin: germline.
Comment: The c.4778dupA variant, located in coding exon 15 of the APC gene, results from a duplication of A at nucleotide position 4778, causing a translational frameshift with a predicted alternate stop codon (p.P1594Afs*38). This alteration occurs at the 3' terminus of theAPC gene, is not expected to trigger nonsense-mediated mRNA decay, and impacts the last 1250 amino acids of the protein. However, premature stop codons are typically deleterious in nature and the impacted region is critical for protein function and a significant portion of the protein is affected (Ambry internal data). This variant is considered to be rare based on population cohorts in the Genome Aggregation Database (gnomAD). Based on the majority of available evidence to date, this variant is likely to be pathogenic.